The following is an entry in ClinVar:

ClinVar aggregate classification (germline): Uncertain significance. Review status: criteria provided, multiple submitters, no conflicts (2 of 4 stars). 3 submissions from 3 submitters: Uncertain significance (3). Last evaluated 2025-07-27.

Conditions:
Acute promyelocytic leukemia (APL). Identifiers: Orphanet 520, MedGen C0023487, MONDO:0012883, OMIM 612376, HP:0004836.
Hereditary pheochromocytoma and paraganglioma. Also called: Hereditary Paraganglioma-Pheochromocytoma Syndromes; Hereditary paragangliomas and pheochromocytomas; Hereditary pheochromocytoma-paraganglioma. Identifiers: Orphanet 29072, MedGen C4274332, MONDO:0017366.
Hereditary cancer-predisposing syndrome. Also called: Neoplastic Syndromes, Hereditary; Hereditary Cancer Syndrome; Tumor predisposition; Hereditary neoplastic syndrome. Identifiers: Orphanet 140162, MedGen C0027672, MeSH D009386, MONDO:0015356.

Allele frequency attached by ClinVar (database versions not stated): TOPMed 0.00001.

Submissions (3):

Labcorp Genetics (formerly Invitae), Labcorp
Classification: Uncertain significance for Hereditary pheochromocytoma and paraganglioma. Last evaluated: 2025-07-27. Review status: criteria provided, single submitter. Criteria: Invitae Variant Classification Sherloc (09022015). Collection method: clinical testing. Allele origin: germline.
Comment: This sequence change replaces glycine, which is neutral and non-polar, with cysteine, which is neutral and slightly polar, at codon 11 of the TMEM127 protein (p.Gly11Cys). This variant is not present in population databases (gnomAD no frequency). This missense change has been observed in individual(s) with bilateral pheochromocytoma (PMID: 32575117). ClinVar contains an entry for this variant (Variation ID: 577335). Algorithms developed to predict the effect of variants on gene product structure and function are not available or were not evaluated for this variant. Experimental studies have shown that this missense change does not substantially affect TMEM127 function (PMID: 32575117). In summary, the available evidence is currently insufficient to determine the role of this variant in disease. Therefore, it has been classified as a Variant of Uncertain Significance.

Ambry Genetics
Classification: Uncertain significance for Hereditary cancer-predisposing syndrome. Last evaluated: 2024-03-01. Review status: criteria provided, single submitter. Criteria: Ambry Variant Classification Scheme 2023. Collection method: clinical testing. Allele origin: germline.
Comment: The p.G11C variant (also known as c.31G>T), located in coding exon 1 of the TMEM127 gene, results from a G to T substitution at nucleotide position 31. The glycine at codon 11 is replaced by cysteine, an amino acid with highly dissimilar properties. This variant was similar to wildtype in functional studies performed, including a subcellular localization immunoflorescence assay and immunoblot analysis (Flores SK et al. J Clin Endocrinol Metab, 2020 09;105:). This amino acid position is not well conserved in available vertebrate species. In addition, the in silico prediction for this alteration is inconclusive. Since supporting evidence is limited at this time, the clinical significance of this alteration remains unclear. Since supporting evidence is limited at this time, the clinical significance of this alteration remains unclear.

St. Jude Molecular Pathology, St. Jude Children's Research Hospital
Classification: Uncertain significance for Acute promyelocytic leukemia. Last evaluated: 2016-12-22. Review status: criteria provided, single submitter. Criteria: ACMG Guidelines, 2015. Collection method: clinical testing. Allele origin: germline. Affected: yes.

Literature cited by the submitters: PubMed 32575117 (cited by Labcorp Genetics (formerly Invitae), Labcorp and Ambry Genetics).

NM_017849.4(TMEM127):c.31G>T (p.Gly11Cys)

Genes: TMEM127 (transmembrane protein 127; minus strand), LOC129934333 (ATAC-STARR-seq lymphoblastoid silent region 11759; plus strand). Cytogenetic location: 2q11.2.
Variant type: single nucleotide variant.
Coding change: c.31G>T on transcript NM_017849.4 (MANE Select); coding-DNA position 31, G replaced by T.
Protein change: p.Gly11Cys; replaces glycine 11 with cysteine.
Molecular consequence: missense variant.
Genome position (GRCh38, 1-based): chr2:96,265,351, C>A on the plus strand (G>T on the coding strand, the complement: TMEM127 is on the minus strand). VCF-style: chr2-96265351-C-A. GRCh37 (hg19) VCF-style: chr2-96931089-C-A.
Other names: c.31G>T, p.Gly11Cys (NM_001193304.3); short protein forms G11C.
Identifiers: ClinVar variation 577335 (VCV000577335.13), dbSNP rs992633976, ClinGen allele CA52419168.